The following is an entry in ClinVar:

ClinVar aggregate classification (germline): Uncertain significance (1 of 4 stars; one submission).

Conditions:
Hereditary cancer-predisposing syndrome. Also called: Neoplastic Syndromes, Hereditary; Tumor predisposition; Hereditary Cancer Syndrome; Hereditary neoplastic syndrome. Identifiers: Orphanet 140162, MedGen C0027672, MeSH D009386, MONDO:0015356.

Submission:

Ambry Genetics
Classification: Uncertain significance for Hereditary cancer-predisposing syndrome. Last evaluated: 2026-04-29. Review status: criteria provided, single submitter. Criteria: Ambry Variant Classification Scheme 2023. Collection method: clinical testing. Allele origin: germline.
Comment: The c.2217_2219delGAG variant (also known as p.R740del) is located in coding exon 15 of the KIT gene. This variant results from an in-frame GAG deletion at nucleotide positions 2217 to 2219. This results in the in-frame deletion of an arginine at codon 740. This amino acid position is highly conserved in available vertebrate species. In addition, the in silico prediction for this variant is inconclusive (Choi Y et al. PLoS ONE. 2012; 7(10):e46688). Based on the available evidence, the clinical significance of this variant remains unclear.

NM_000222.3(KIT):c.2217_2219del (p.Arg740del)

Gene: KIT (KIT proto-oncogene, receptor tyrosine kinase; plus strand). Cytogenetic location: 4q12.
Variant type: Deletion.
Coding change: c.2217_2219del on transcript NM_000222.3 (MANE Select); coding-DNA positions 2217 to 2219, 3 bases deleted (GAG; older notation c.2217_2219delGAG).
Protein change: p.Arg740del; deletes arginine 740.
Molecular consequence: inframe deletion.
Genome position (GRCh38, 1-based): chr4:54,731,403-54,731,405, GAG deleted; deleting any 3 consecutive bases within chr4:54,731,401-54,731,405 gives the same sequence; the c. name uses the placement nearest the transcript's 3' end. VCF-style (leftmost placement, unchanged base first): chr4-54731400-AAGG-A. GRCh37 (hg19) VCF-style: chr4-55597566-AAGG-A.
Other names: c.2217_2219del, p.Arg740del (NM_001385290.1); c.2205_2207del, p.Arg736del (NM_001385292.1, NM_001093772.2); c.2220_2222del, p.Arg741del (NM_001385284.1); c.2214_2216del, p.Arg739del (NM_001385285.1); c.2202_2204del, p.Arg735del (NM_001385286.1); c.2208_2210del, p.Arg737del (NM_001385288.1); short protein forms R735del, R736del, R737del, R739del, R740del, R741del.
Identifiers: ClinVar variation 4858918 (VCV004858918.1).
Genomic context (GRCh38, chr4:54,731,400, plus strand): 5'-TAATGAGTACATGGACATGAAACCTGGAGTTTCTTATGTTGTCCCAACCAAGGCCGACAA[AAGG>A]AGATCTGTGAGAATAGGTGAGTACCTACCTATCAAGCAACCAAGAGTAACTTTACAGAGA-3'